The following is an entry in ClinVar:

NM_000059.4(BRCA2):c.8919dup (p.Ile2974fs)

Gene: BRCA2 (BRCA2 DNA repair associated; plus strand). Cytogenetic location: 13q13.1.
Variant type: Duplication.
Coding change: c.8919dup on transcript NM_000059.4 (MANE Select); coding-DNA position 8919, one base duplicated (T; older notation c.8919dupT).
Protein change: p.Ile2974fs; shifts the reading frame from isoleucine 2974.
Molecular consequence: frameshift variant.
Genome position (GRCh38, 1-based): chr13:32,379,481, T duplicated. VCF-style (leftmost placement, unchanged base first): chr13-32379480-G-GT. GRCh37 (hg19) VCF-style: chr13-32953617-G-GT.
Other names: 9147insT; short protein forms I2974fs.
Identifiers: ClinVar variation 267116 (VCV000267116.5), dbSNP rs886040800, ClinGen allele CA10589525.
Genomic context (GRCh38, chr13:32,379,480, plus strand): 5'-AATCTGCTGAACAAAAGGAACAAGGTTTATCAAGGGATGTCACAACCGTGTGGAAGTTGC[G>GT]TATTGTAAGCTATTCAAAAAAAGAAAAAGATTCAGGTAAGTATGTAAATGCTTTGTTTTT-3'

ClinVar aggregate classification (germline): Pathogenic. Review status: reviewed by expert panel (3 of 4 stars). 2 submissions from 2 submitters: Pathogenic (1). 1 of the submissions does not count toward it. Last evaluated 2016-10-18.

Conditions:
Breast-ovarian cancer, familial, susceptibility to, 2 (BROVCA2). Also called: BRCA2 Hereditary Breast and Ovarian Cancer. Identifiers: Orphanet 145, MedGen C2675520, MONDO:0012933, OMIM 612555. Disease mechanism: loss of function.

Submissions (2):

Evidence-based Network for the Interpretation of Germline Mutant Alleles (ENIGMA)
Classification: Pathogenic for Breast-ovarian cancer, familial, susceptibility to, 2. Last evaluated: 2016-10-18. Review status: reviewed by expert panel. Criteria: ENIGMA BRCA1/2 Classification Criteria (2015). Collection method: curation. Allele origin: germline.
Comment: Variant allele predicted to encode a truncated non-functional protein.

Consortium of Investigators of Modifiers of BRCA1/2 (CIMBA), c/o University of Cambridge
Classification: Pathogenic for Breast-ovarian cancer, familial, susceptibility to, 2. Last evaluated: 2015-10-02. Review status: criteria provided, single submitter. Criteria: CIMBA Mutation Classification guidelines May 2016. Collection method: clinical testing. Allele origin: germline. Not counted in ClinVar's aggregate classification.